The following is an entry in ClinVar:

ClinVar aggregate classification (germline): Pathogenic. Review status: criteria provided, multiple submitters, no conflicts (2 of 4 stars). 11 submissions from 11 submitters: Pathogenic (10). 1 of the submissions does not count toward it. Last evaluated 2024-10-29.

Conditions:
Muscular dystrophy, limb-girdle, autosomal recessive 23. Identifiers: Orphanet 565837, MedGen C4748327, MONDO:0029136, OMIM 618138.
Merosin deficient congenital muscular dystrophy (MDC1A). Also called: Congenital Muscular Dystrophy Type 1A (MDC1A); Congenital merosin-deficient muscular dystrophy 1A. Identifiers: Orphanet 258, MedGen C1263858, MONDO:0011925, OMIM 607855.
Inborn genetic diseases. Identifiers: MedGen C0950123, MeSH D030342.
LAMA2-related muscular dystrophy (LAMA2-RD). Also called: Laminin alpha 2-related dystrophy. Identifiers: MedGen C5679788, MONDO:0100228.

Allele frequency attached by ClinVar (database versions not stated): gnomAD 0.00001; gnomAD exomes below 0.00001.

Submissions (11):

Labcorp Genetics (formerly Invitae), Labcorp
Classification: Pathogenic for LAMA2-related muscular dystrophy. Last evaluated: 2024-10-29. Review status: criteria provided, single submitter. Criteria: Invitae Variant Classification Sherloc (09022015). Collection method: clinical testing. Allele origin: germline.
Comment: This sequence change creates a premature translational stop signal (p.Leu621Hisfs*7) in the LAMA2 gene. It is expected to result in an absent or disrupted protein product. Loss-of-function variants in LAMA2 are known to be pathogenic (PMID: 18700894, 32904964). This variant is present in population databases (rs202247791, gnomAD 0.2%). This premature translational stop signal has been observed in individual(s) with congenital muscular dystrophy (PMID: 18700894). ClinVar contains an entry for this variant (Variation ID: 38339). For these reasons, this variant has been classified as Pathogenic.

3billion
Classification: Pathogenic for Merosin deficient congenital muscular dystrophy. Last evaluated: 2024-08-27. Review status: criteria provided, single submitter. Criteria: ACMG Guidelines, 2015. Collection method: clinical testing. Allele origin: germline. Affected: yes.
Comment: The variant is observed at an extremely low frequency in the gnomAD v4.0.0 dataset (total allele frequency: <0.001%). Predicted Consequence/Location: Frameshift: predicted to result in a loss or disruption of normal protein function through nonsense-mediated decay (NMD) or protein truncation. Multiple pathogenic variants are reported downstream of the variant. The variant has been reported at least twice as pathogenic with clinical assertions and evidence for the classification (ClinVar ID: VCV000038339 /PMID: 11938437 /3billion dataset). Therefore, this variant is classified as Pathogenic according to the recommendation of ACMG/AMP guideline.

Fulgent Genetics
Classification: Pathogenic for Merosin deficient congenital muscular dystrophy; Muscular dystrophy, limb-girdle, autosomal recessive 23. Last evaluated: 2024-01-17. Review status: criteria provided, single submitter. Criteria: ACMG Guidelines, 2015. Collection method: clinical testing. Allele origin: germline.

Baylor Genetics
Classification: Pathogenic for Merosin deficient congenital muscular dystrophy. Last evaluated: 2023-09-22. Review status: criteria provided, single submitter. Criteria: ACMG Guidelines, 2015. Collection method: clinical testing. Allele origin: unknown.

Laboratorio de Genetica e Diagnostico Molecular, Hospital Israelita Albert Einstein
Classification: Pathogenic for Muscular dystrophy, limb-girdle, autosomal recessive 23. Last evaluated: 2023-01-05. Review status: criteria provided, single submitter. Criteria: ACMG Guidelines, 2015. Collection method: clinical testing. Allele origin: germline. Affected: yes. Observed: 1 variant allele.
Comment: ACMG classification criteria: PVS1 very strong, PM2 moderated, PM3 moderated, PP4

GeneDx
Classification: Pathogenic. Last evaluated: 2021-09-03. Review status: criteria provided, single submitter. Criteria: GeneDx Variant Classification Process June 2021. Collection method: clinical testing. Allele origin: germline. Affected: yes.
Comment: Frameshift variant predicted to result in protein truncation or nonsense mediated decay in a gene for which loss-of-function is a known mechanism of disease; Not observed at significant frequency in large population cohorts (Lek et al., 2016); This variant is associated with the following publications: (PMID: 32266982, 31589614, 27858741, 11938437, 18700894, 30055037)

Department of Pathology and Laboratory Medicine, Sinai Health System
Classification: Pathogenic for Merosin deficient congenital muscular dystrophy; Muscular dystrophy, limb-girdle, autosomal recessive 23. Last evaluated: 2021-07-30. Review status: criteria provided, single submitter. Criteria: ACMG Guidelines, 2015. Collection method: research. Allele origin: germline.

Ambry Genetics
Classification: Pathogenic for Inborn genetic diseases. Last evaluated: 2016-02-05. Review status: criteria provided, single submitter. Criteria: Ambry exome assertion method (8-5-2015). Collection method: clinical testing. Allele origin: germline. Affected: yes. Observed: 1 variant allele.

Eurofins Ntd Llc (ga)
Classification: Pathogenic. Last evaluated: 2015-07-08. Review status: criteria provided, single submitter. Criteria: EGL Classification Definitions. Collection method: clinical testing. Allele origin: germline. Observed: 1 variant allele, 1 heterozygote.

Clinical Genetics Service, Universitary Hospital 12 de Octubre
Classification: Pathogenic for Merosin deficient congenital muscular dystrophy. Review status: criteria provided, single submitter. Criteria: ACMG Guidelines, 2015. Collection method: clinical testing. Allele origin: germline. Affected: yes.

GeneReviews
No classification provided. Condition: Merosin deficient congenital muscular dystrophy. Review status: no classification provided. Collection method: literature only. Allele origin: unknown. Not counted in ClinVar's aggregate classification.

Literature cited by the submitters: PubMed 18700894 (cited by Labcorp Genetics (formerly Invitae), Labcorp and Eurofins Ntd Llc (ga)); PubMed 32904964 (cited by Labcorp Genetics (formerly Invitae), Labcorp); PubMed 11938437 (cited by 3billion and Eurofins Ntd Llc (ga)); PubMed 22675738 (cited by GeneReviews); NCBI Bookshelf NBK97333 (cited by GeneReviews).

NM_000426.4(LAMA2):c.1854_1861dup (p.Leu621fs)

Gene: LAMA2 (laminin subunit alpha 2; plus strand). Cytogenetic location: 6q22.33.
Variant type: Duplication.
Coding change: c.1854_1861dup on transcript NM_000426.4 (MANE Select); coding-DNA positions 1854 to 1861, 8 bases duplicated (ACGTGTTC; older notation c.1854_1861dupACGTGTTC).
Protein change: p.Leu621fs; shifts the reading frame from leucine 621.
Molecular consequence: frameshift variant.
Genome position (GRCh38, 1-based): chr6:129,250,183-129,250,190, ACGTGTTC duplicated. VCF-style (leftmost placement, unchanged base first): chr6-129250182-A-AACGTGTTC. GRCh37 (hg19) VCF-style: chr6-129571327-A-AACGTGTTC.
Other names: c.1854_1861dup, p.Leu621fs (NM_001079823.2); c.1854_1861dupACGTGTTC (NM_000426.3); c.1853_1854insACGTGTTC (NM_000426.3); short protein forms L621fs.
Identifiers: ClinVar variation 38339 (VCV000038339.26), dbSNP rs202247791, ClinGen allele CA342966.
Genomic context (GRCh38, chr6:129,250,182, plus strand): 5'-TAGGAGGACAGTTGACATTTACCATATCATATGACCTTGAAGAAGAGGAAGAAGATACAG[A>AACGTGTTC]ACGTGTTCTCCAGCTTATGATTATCTTAGAGGTAGAGTACTGAGAGCATGTTCACCCGTG-3'